The following is an entry in ClinVar:

ClinVar aggregate classification (germline): Conflicting classifications of pathogenicity. Review status: criteria provided, conflicting classifications (1 of 4 stars). 13 submissions from 13 submitters: Uncertain significance (6); Benign (1); Likely benign (6). Last evaluated 2026-08-01.

Conditions:
ZNF469-related disorder. Also called: ZNF469-related condition.
Cardiovascular phenotype. Identifiers: MedGen CN230736.
Brittle cornea syndrome 1 (BCS1). Also called: DYSGENESIS MESODERMALIS CORNEAE ET SCLERAE; Corneal fragility keratoglobus, blue sclerae AND joint hypermobility; CORNEAL FRAGILITY, KERATOGLOBUS, BLUE SCLERAE, JOINT HYPEREXTENSIBILITY; EDS6B; FRAGILITAS OCULI WITH JOINT HYPEREXTENSIBILITY. Identifiers: Orphanet 90354, MedGen C0268344, MONDO:0024543, OMIM 229200.
Ehlers-Danlos syndrome (EDS). Identifiers: Orphanet 98249, MedGen C0013720, MONDO:0020066.

Allele frequency attached by ClinVar (database versions not stated): ExAC 0.00033; 1000 Genomes Project 0.00100; gnomAD exomes 0.00111 and 0.00238; gnomAD 0.00130 and 0.00133; 1000 Genomes Project 30x 0.00141; TOPMed 0.00147.
gnomAD v4.1: 3,483 of 1,549,818 alleles (0.22%); highest among the groups gnomAD compares: Non-Finnish European, 0.29%; 9 homozygotes.

Submissions (13):

CeGaT Center for Human Genetics Tuebingen
Classification: Likely benign. Last evaluated: 2026-08-01. Review status: criteria provided, single submitter. Criteria: CeGaT Center For Human Genetics Tuebingen Variant Classification Criteria Version 2. Collection method: clinical testing. Allele origin: germline. Affected: yes. Observed: 7 variant alleles.
Comment: ZNF469: BP4

PreventionGenetics, part of Exact Sciences
Classification: Likely benign for ZNF469-related condition. Last evaluated: 2026-05-22. Review status: criteria provided, single submitter. Criteria: ACMG Guidelines, 2015. Collection method: clinical testing. Allele origin: germline.
Comment: This variant is classified as likely benign based on ACMG/AMP sequence variant interpretation guidelines (Richards et al. 2015 PMID: 25741868, with internal and published modifications).

Women's Health and Genetics/Laboratory Corporation of America, LabCorp
Classification: Likely benign. Last evaluated: 2026-03-23. Review status: criteria provided, single submitter. Criteria: LabCorp Variant Classification Summary - May 2015. Collection method: clinical testing. Allele origin: germline.
Comment: Variant summary: ZNF469 c.8788G>T (p.Asp2930Tyr) results in a non-conservative amino acid change in the encoded protein sequence. Algorithms developed to predict the effect of missense changes on protein structure and function are either unavailable or do not agree on the potential impact of this missense change. The variant allele was found at a frequency of 0.0023 in 1543178 control chromosomes, predominantly at a frequency of 0.0029 within the Non-Finnish European subpopulation in the gnomAD database, including 9 homozygotes. The observed variant frequency within Non-Finnish European control individuals in the gnomAD database exceeds the estimated maximal expected allele frequency for disease-causing variants in ZNF469. The variant, c.8788G>T, has been observed in individual(s) affected with brittle cornea syndrome without strong evidence for pathogenicity (e.g. Gonzalez-Garay_2013). To our knowledge, no experimental evidence demonstrating an impact on protein function has been reported. The following publication has been ascertained in the context of this evaluation (PMID: 24082139). ClinVar contains an entry for this variant (Variation ID: 419986). Based on the evidence outlined above, the variant was classified as likely benign.

Labcorp Genetics (formerly Invitae), Labcorp
Classification: Likely benign. Last evaluated: 2026-02-04. Review status: criteria provided, single submitter. Criteria: Invitae Variant Classification Sherloc (09022015). Collection method: clinical testing. Allele origin: germline.

Mayo Clinic Laboratories, Mayo Clinic
Classification: Likely benign. Last evaluated: 2025-03-26. Review status: criteria provided, single submitter. Criteria: ACMG Guidelines, 2015. Collection method: clinical testing. Allele origin: germline. Observed: 7 variant alleles.
Comment: BS1, BP4_moderate

Blueprint Genetics
Classification: Uncertain significance. Last evaluated: 2024-11-22. Review status: criteria provided, single submitter. Criteria: ACMG Guidelines, 2015. Collection method: clinical testing. Allele origin: germline.

Ambry Genetics
Classification: Benign for Cardiovascular phenotype. Last evaluated: 2023-05-08. Review status: criteria provided, single submitter. Criteria: Ambry Variant Classification Scheme 2023. Collection method: clinical testing. Allele origin: germline.

Genome Diagnostics Laboratory, The Hospital for Sick Children
Classification: Uncertain significance for Ehlers-Danlos syndrome. Last evaluated: 2022-08-02. Review status: criteria provided, single submitter. Criteria: ACMG Guidelines, 2015. Collection method: clinical testing. Allele origin: germline.

Revvity Omics, Revvity
Classification: Uncertain significance for Brittle cornea syndrome 1. Last evaluated: 2021-12-10. Review status: criteria provided, single submitter. Criteria: ACMG Guidelines, 2015. Collection method: clinical testing. Allele origin: germline.

GeneDx
Classification: Likely benign. Last evaluated: 2020-10-14. Review status: criteria provided, single submitter. Criteria: GeneDx Variant Classification Process June 2021. Collection method: clinical testing. Allele origin: germline. Affected: yes.
Comment: Reported in a heterozygous individual diagnosed with brittle corneal syndrome-1 (BSC1) (Gonzalez-Garay et al., 2013) and in at least one European individual with isolated keratoconus (Lechner et al., 2014); however, in both studies, a second variant in the ZNF469 gene was not identified and/or described for these patients; Reported in ClinVar (ClinVar Variant ID# 419986; Landrum et al., 2016); In silico analysis, which includes protein predictors and evolutionary conservation, supports that this variant does not alter protein structure/function; This variant is associated with the following publications: (PMID: 24082139, 24895405, 29228253)

Department of Pathology and Laboratory Medicine, Sinai Health System
Classification: Uncertain significance for Brittle cornea syndrome 1. Last evaluated: 2019-11-18. Review status: criteria provided, single submitter. Criteria: ACMG Guidelines, 2015. Collection method: research. Allele origin: germline.

Fulgent Genetics
Classification: Uncertain significance for Brittle cornea syndrome 1. Last evaluated: 2018-10-31. Review status: criteria provided, single submitter. Criteria: ACMG Guidelines, 2015. Collection method: clinical testing. Allele origin: unknown.

Eurofins Ntd Llc (ga)
Classification: Uncertain significance. Last evaluated: 2017-01-23. Review status: criteria provided, single submitter. Criteria: EGL Classification Definitions 2015. Collection method: clinical testing. Allele origin: germline. Observed: 1 variant allele, 1 heterozygote.

Literature cited by the submitters: PubMed 24082139 (cited by 3 submitters); PubMed 24895405 (cited by Mayo Clinic Laboratories, Mayo Clinic and Ambry Genetics); PubMed 29228253 (cited by Mayo Clinic Laboratories, Mayo Clinic and Ambry Genetics).

NM_001367624.2(ZNF469):c.8788G>T (p.Asp2930Tyr)

Gene: ZNF469 (zinc finger protein 469; plus strand). Cytogenetic location: 16q24.2.
Variant type: single nucleotide variant.
Coding change: c.8788G>T on transcript NM_001367624.2 (MANE Select); coding-DNA position 8788, G replaced by T.
Protein change: p.Asp2930Tyr; replaces aspartic acid 2930 with tyrosine.
Molecular consequence: missense variant.
Genome position (GRCh38, 1-based): chr16:88,436,258, G>T. VCF-style: chr16-88436258-G-T. GRCh37 (hg19) VCF-style: chr16-88502666-G-T.
Other names: NM_001127464.1:c.8704G>T; NM_001127464.2:c.8704G>T; p.Asp2930Tyr; short protein forms D2930Y.
Identifiers: ClinVar variation 419986 (VCV000419986.62), dbSNP rs76792613, ClinGen allele CA8225373.
Genomic context (GRCh38, chr16:88,436,258, plus strand): 5'-ACGGACCTCAGCGACTCCAGCTCCCTCTGCCTCTGCCATGAGGACCCGTGGGAGGACGAG[G>T]ATCCCGCAGGTCTGCCCGAGTCCTTCCTCCTGGATGGGTTCCTCAATAGCAGGGTGCCTG-3'
Protein context (NP_001354553.1, residues 2920-2940): LCHEDPWEDE[Asp2930Tyr]PAGLPESFLL